The following is an entry in ClinVar:

NM_002109.6(HARS1):c.90+3G>A

Genes: HARS1 (histidyl-tRNA synthetase 1; minus strand), LOC129994848 (ATAC-STARR-seq lymphoblastoid active region 23285; plus strand). Cytogenetic location: 5q31.3.
Variant type: single nucleotide variant.
Coding change: c.90+3G>A on transcript NM_002109.6 (MANE Select); 3 bases into the intron after coding-DNA position 90, G replaced by A.
Molecular consequence: intron variant.
Genome position (GRCh38, 1-based): chr5:140,691,212, C>T on the plus strand (G>A on the coding strand, the complement: HARS1 is on the minus strand). VCF-style: chr5-140691212-C-T. GRCh37 (hg19) VCF-style: chr5-140070797-C-T.
Other names: c.3+90G>A (NM_001289094.2); c.90+3G>A (NM_001289093.2, NM_001258042.3, NM_001258040.3 and 2 more transcripts).
Identifiers: ClinVar variation 1024468 (VCV001024468.7), dbSNP rs1759409258, ClinGen allele CA1586860077.

ClinVar aggregate classification (germline): Uncertain significance (1 of 4 stars; one submission).

Conditions:
Usher syndrome type 3B. Also called: USHER SYNDROME, TYPE IIIB. Identifiers: MedGen C3281066, MONDO:0013788, OMIM 614504.

Submission:

Labcorp Genetics (formerly Invitae), Labcorp
Classification: Uncertain significance for Usher syndrome type 3B. Last evaluated: 2024-12-16. Review status: criteria provided, single submitter. Criteria: Invitae Variant Classification Sherloc (09022015). Collection method: clinical testing. Allele origin: germline.
Comment: This sequence change falls in intron 1 of the HARS gene. It does not directly change the encoded amino acid sequence of the HARS protein. It affects a nucleotide within the consensus splice site. This variant is not present in population databases (gnomAD no frequency). This variant has not been reported in the literature in individuals affected with HARS-related conditions. ClinVar contains an entry for this variant (Variation ID: 1024468). Variants that disrupt the consensus splice site are a relatively common cause of aberrant splicing (PMID: 17576681, 9536098). Algorithms developed to predict the effect of sequence changes on RNA splicing suggest that this variant is not likely to affect RNA splicing. In summary, the available evidence is currently insufficient to determine the role of this variant in disease. Therefore, it has been classified as a Variant of Uncertain Significance.

Literature cited by the submitters: PubMed 17576681; PubMed 9536098.